The following is an entry in ClinVar:

ClinVar aggregate classification (germline): Uncertain significance (1 of 4 stars; one submission).

Conditions:
Mendelian susceptibility to mycobacterial diseases due to complete IL12B deficiency. Also called: IL12B DEFICIENCY; Immunodeficiency 29. Identifiers: Orphanet 319558, MedGen C4013948, MONDO:0013954, OMIM 614890.

Allele frequency attached by ClinVar (database versions not stated): gnomAD 0.00001; TOPMed 0.00001.
gnomAD v4.1: 13 of 1,614,070 alleles (0.00081%); highest among the groups gnomAD compares: Non-Finnish European, 0.0011%; no homozygotes.

Submission:

Labcorp Genetics (formerly Invitae), Labcorp
Classification: Uncertain significance for Mendelian susceptibility to mycobacterial diseases due to complete IL12B deficiency. Last evaluated: 2021-09-01. Review status: criteria provided, single submitter. Criteria: Invitae Variant Classification Sherloc (09022015). Collection method: clinical testing. Allele origin: germline.
Comment: This sequence change replaces glutamine with histidine at codon 311 of the IL12B protein (p.Gln311His). The glutamine residue is weakly conserved and there is a small physicochemical difference between glutamine and histidine. This variant is present in population databases (rs571398445, ExAC 0.002%). This variant has not been reported in the literature in individuals affected with IL12B-related conditions. Algorithms developed to predict the effect of missense changes on protein structure and function are either unavailable or do not agree on the potential impact of this missense change (SIFT: "Deleterious"; PolyPhen-2: "Possibly Damaging"; Align-GVGD: "Class C0"). In summary, the available evidence is currently insufficient to determine the role of this variant in disease. Therefore, it has been classified as a Variant of Uncertain Significance.

NM_002187.3(IL12B):c.933G>C (p.Gln311His)

Gene: IL12B (interleukin 12B; minus strand). Cytogenetic location: 5q33.3.
Variant type: single nucleotide variant.
Coding change: c.933G>C on transcript NM_002187.3 (MANE Select); coding-DNA position 933, G replaced by C.
Protein change: p.Gln311His; replaces glutamine 311 with histidine.
Molecular consequence: missense variant.
Genome position (GRCh38, 1-based): chr5:159,316,739, C>G on the plus strand (G>C on the coding strand, the complement: IL12B is on the minus strand). VCF-style: chr5-159316739-C-G. GRCh37 (hg19) VCF-style: chr5-158743747-C-G.
Other names: short protein forms Q311H.
Identifiers: ClinVar variation 1021347 (VCV001021347.6), dbSNP rs571398445, ClinGen allele CA3538663.
Genomic context (GRCh38, chr5:159,316,739, plus strand): 5'-GCTCACCTAACTGCAGGGCACAGATGCCCATTCGCTCCAAGATGAGCTATAGTAGCGGTC[C>G]TGGGCCCGCACGCTAATGCTGGCATTTTTGCGGCAGATGACCGTGGCTGAGGTCTTGTCC-3'
Protein context (NP_002178.2, residues 301-321): RKNASISVRA[Gln311His]DRYYSSSWSE